The following is an entry in ClinVar:

NM_000222.3(KIT):c.2090A>C (p.His697Pro)

Gene: KIT (KIT proto-oncogene, receptor tyrosine kinase; plus strand). Cytogenetic location: 4q12.
Variant type: single nucleotide variant.
Coding change: c.2090A>C on transcript NM_000222.3 (MANE Select); coding-DNA position 2090, A replaced by C.
Protein change: p.His697Pro; replaces histidine 697 with proline.
Molecular consequence: missense variant.
Genome position (GRCh38, 1-based): chr4:54,729,434, A>C. VCF-style: chr4-54729434-A-C. GRCh37 (hg19) VCF-style: chr4-55595600-A-C.
Other names: c.2078A>C, p.His693Pro (NM_001093772.2, NM_001385286.1); c.2093A>C, p.His698Pro (NM_001385284.1, NM_001385290.1); c.2090A>C, p.His697Pro (NM_001385285.1); c.2081A>C, p.His694Pro (NM_001385288.1, NM_001385292.1); short protein forms H697P, H693P, H694P, H698P.
Identifiers: ClinVar variation 860066 (VCV000860066.11), dbSNP rs1414253704, ClinGen allele CA356909707.
Genomic context (GRCh38, chr4:54,729,434, plus strand): 5'-ATCTTTTGAATTTTTTGAGAAGAAAACGTGATTCATTTATTTGTTCAAAGCAGGAAGATC[A>C]TGCAGAAGCTGCACTTTATAAGAATCTTCTGCATTCAAAGGAGTCTTCCTGGTAAGACTG-3'
Protein context (NP_000213.1, residues 687-707): DSFICSKQED[His697Pro]AEAALYKNLL

ClinVar aggregate classification (germline): Uncertain significance. Review status: criteria provided, multiple submitters, no conflicts (2 of 4 stars). 2 submissions from 2 submitters: Uncertain significance (2). Last evaluated 2025-11-11.

Conditions:
Gastrointestinal stromal tumor. Also called: Gastrointestinal stromal tumor, somatic; Gastrointestinal stroma tumor. Identifiers: Orphanet 44890, MedGen C0238198, MeSH D046152, MONDO:0011719, OMIM 606764, HP:0100723.
Hereditary cancer-predisposing syndrome. Also called: Neoplastic Syndromes, Hereditary; Tumor predisposition; Hereditary Cancer Syndrome; Hereditary neoplastic syndrome. Identifiers: Orphanet 140162, MedGen C0027672, MeSH D009386, MONDO:0015356.

Allele frequency attached by ClinVar (database versions not stated): gnomAD exomes below 0.00001; gnomAD 0.00001.
gnomAD v4.1: 2 of 1,613,678 alleles (0.00012%); highest among the groups gnomAD compares: East Asian, 0.0045%; no homozygotes.

Submissions (2):

Labcorp Genetics (formerly Invitae), Labcorp
Classification: Uncertain significance for Gastrointestinal stromal tumor. Last evaluated: 2025-11-11. Review status: criteria provided, single submitter. Criteria: Invitae Variant Classification Sherloc (09022015). Collection method: clinical testing. Allele origin: germline.
Comment: This sequence change replaces histidine, which is basic and polar, with proline, which is neutral and non-polar, at codon 697 of the KIT protein (p.His697Pro). This variant is present in population databases (no rsID available, gnomAD 0.06%). This variant has not been reported in the literature in individuals affected with KIT-related conditions. ClinVar contains an entry for this variant (Variation ID: 860066). An algorithm developed to predict the effect of missense changes on protein structure and function (PolyPhen-2) suggests that this variant is likely to be tolerated. In summary, the available evidence is currently insufficient to determine the role of this variant in disease. Therefore, it has been classified as a Variant of Uncertain Significance.

Ambry Genetics
Classification: Uncertain significance for Hereditary cancer-predisposing syndrome. Last evaluated: 2024-12-20. Review status: criteria provided, single submitter. Criteria: Ambry Variant Classification Scheme 2023. Collection method: clinical testing. Allele origin: germline.
Comment: The p.H697P variant (also known as c.2090A>C), located in coding exon 14 of the KIT gene, results from an A to C substitution at nucleotide position 2090. The histidine at codon 697 is replaced by proline, an amino acid with similar properties. This amino acid position is not well conserved in available vertebrate species. In addition, this alteration is predicted to be tolerated by in silico analysis. Based on the available evidence, the clinical significance of this variant remains unclear.